The following is an entry in ClinVar:

ClinVar aggregate classification (germline): Uncertain significance (1 of 4 stars; one submission).

Allele frequency attached by ClinVar (database versions not stated): ExAC 0.00001.
gnomAD v4.1: 1 of 1,539,136 alleles (0.000065%); highest among the groups gnomAD compares: Admixed American, 0.0018%; no homozygotes.

Submission:

GeneDx
Classification: Uncertain significance. Last evaluated: 2022-10-03. Review status: criteria provided, single submitter. Criteria: GeneDx Variant Classification Process June 2021. Collection method: clinical testing. Allele origin: germline. Affected: yes.
Comment: Not observed at significant frequency in large population cohorts (gnomAD); In silico analysis supports that this missense variant has a deleterious effect on protein structure/function; Has not been previously published as pathogenic or benign to our knowledge

NM_001854.4(COL11A1):c.4091C>T (p.Pro1364Leu)

Gene: COL11A1 (collagen type XI alpha 1 chain; minus strand). Cytogenetic location: 1p21.1.
Variant type: single nucleotide variant.
Coding change: c.4091C>T on transcript NM_001854.4 (MANE Select); coding-DNA position 4091, C replaced by T.
Protein change: p.Pro1364Leu; replaces proline 1364 with leucine.
Molecular consequence: missense variant. On other transcripts: non-coding transcript variant (1).
Genome position (GRCh38, 1-based): chr1:102,898,990, G>A on the plus strand (C>T on the coding strand, the complement: COL11A1 is on the minus strand). VCF-style: chr1-102898990-G-A. GRCh37 (hg19) VCF-style: chr1-103364546-G-A.
Other names: c.3743C>T, p.Pro1248Leu (NM_001168249.1, NM_080630.4); c.3974C>T, p.Pro1325Leu (NM_001190709.2); c.4127C>T, p.Pro1376Leu (NM_080629.3); short protein forms P1248L, P1325L, P1364L, P1376L.
Identifiers: ClinVar variation 2446504 (VCV002446504.1), dbSNP rs746495082, ClinGen allele CA973673.